The following is an entry in ClinVar:

ClinVar aggregate classification (germline): Uncertain significance (1 of 4 stars; one submission).

Allele frequency attached by ClinVar (database versions not stated): gnomAD 0.00001 and 0.00002; TOPMed 0.00001.

Submission:

Labcorp Genetics (formerly Invitae), Labcorp
Classification: Uncertain significance. Last evaluated: 2020-01-23. Review status: criteria provided, single submitter. Criteria: Invitae Variant Classification Sherloc (09022015). Collection method: clinical testing. Allele origin: germline.
Comment: This sequence change replaces cysteine with tyrosine at codon 251 of the PEX3 protein (p.Cys251Tyr). The cysteine residue is moderately conserved and there is a large physicochemical difference between cysteine and tyrosine. In summary, the available evidence is currently insufficient to determine the role of this variant in disease. Therefore, it has been classified as a Variant of Uncertain Significance. Algorithms developed to predict the effect of missense changes on protein structure and function output the following: SIFT: "Tolerated"; PolyPhen-2: "Benign"; Align-GVGD: "Class C0". The tyrosine amino acid residue is found in multiple mammalian species, suggesting that this missense change does not adversely affect protein function. These predictions have not been confirmed by published functional studies and their clinical significance is uncertain. This variant has not been reported in the literature in individuals with PEX3-related conditions. This variant is not present in population databases (ExAC no frequency).

NM_003630.3(PEX3):c.752G>A (p.Cys251Tyr)

Gene: PEX3 (peroxisomal biogenesis factor 3; plus strand). Cytogenetic location: 6q24.2.
Variant type: single nucleotide variant.
Coding change: c.752G>A on transcript NM_003630.3 (MANE Select); coding-DNA position 752, G replaced by A.
Protein change: p.Cys251Tyr; replaces cysteine 251 with tyrosine.
Molecular consequence: missense variant.
Genome position (GRCh38, 1-based): chr6:143,474,790, G>A. VCF-style: chr6-143474790-G-A. GRCh37 (hg19) VCF-style: chr6-143795927-G-A.
Other names: short protein forms C251Y.
Identifiers: ClinVar variation 1015343 (VCV001015343.7), dbSNP rs1353898042, ClinGen allele CA365913037.